The following is an entry in ClinVar:

NM_006514.4(SCN10A):c.4786C>G (p.Leu1596Val)

Gene: SCN10A (sodium voltage-gated channel alpha subunit 10; minus strand). Cytogenetic location: 3p22.2.
Variant type: single nucleotide variant.
Coding change: c.4786C>G on transcript NM_006514.4 (MANE Select); coding-DNA position 4786, C replaced by G.
Protein change: p.Leu1596Val; replaces leucine 1596 with valine.
Molecular consequence: missense variant.
Genome position (GRCh38, 1-based): chr3:38,698,434, G>C on the plus strand (C>G on the coding strand, the complement: SCN10A is on the minus strand). VCF-style: chr3-38698434-G-C. GRCh37 (hg19) VCF-style: chr3-38739925-G-C.
Other names: c.4783C>G, p.Leu1595Val (NM_001293306.2); c.4492C>G, p.Leu1498Val (NM_001293307.2); c.4786C>G (NM_006514.2); short protein forms L1498V, L1595V, L1596V.
Identifiers: ClinVar variation 3339096 (VCV003339096.2).
Genomic context (GRCh38, chr3:38,698,434, plus strand): 5'-GGAATAGCAACAGCCCGATGTTGAAGAGGGCAGGCAGGGACATCATGAGGGCAAAGAGCA[G>C]TGTGCGGATCCCCTTGGCCGCTCGGATCAGTCTGAGGATGCGGCCAATTCGGGCCAGGCG-3'
Protein context (NP_006505.4, residues 1586-1606): LIRAAKGIRT[Leu1596Val]LFALMMSLPA

ClinVar aggregate classification (germline): Uncertain significance. Review status: criteria provided, multiple submitters, no conflicts (2 of 4 stars). 2 submissions from 2 submitters: Uncertain significance (2). Last evaluated 2024-10-19.

Conditions:
Cardiovascular phenotype. Identifiers: MedGen CN230736.

gnomAD v4.1: 2 of 1,614,124 alleles (0.00012%); highest among the groups gnomAD compares: Non-Finnish European, 0.00017%; no homozygotes.

Submissions (2):

Ambry Genetics
Classification: Uncertain significance for Cardiovascular phenotype. Last evaluated: 2024-10-19. Review status: criteria provided, single submitter. Criteria: Ambry Variant Classification Scheme 2023. Collection method: clinical testing. Allele origin: germline.
Comment: The p.L1596V variant (also known as c.4786C>G), located in coding exon 27 of the SCN10A gene, results from a C to G substitution at nucleotide position 4786. The leucine at codon 1596 is replaced by valine, an amino acid with highly similar properties. This amino acid position is conserved. In addition, this alteration is predicted to be deleterious by in silico analysis. Based on the available evidence, the clinical significance of this variant remains unclear.

Women's Health and Genetics/Laboratory Corporation of America, LabCorp
Classification: Uncertain significance. Last evaluated: 2024-07-08. Review status: criteria provided, single submitter. Criteria: LabCorp Variant Classification Summary - May 2015. Collection method: clinical testing. Allele origin: germline.